The following is an entry in ClinVar:

ClinVar aggregate classification (germline): Uncertain significance (1 of 4 stars; one submission).

Conditions:
Bloom syndrome (BLM). Also called: Bloom-Torre-Machacek syndrome. Identifiers: Orphanet 125, MedGen C0005859, MONDO:0008876, OMIM 210900.

gnomAD v4.1: 1 of 1,610,966 alleles (0.000062%); highest among the groups gnomAD compares: Non-Finnish European, 0.000085%; no homozygotes.

Submission:

Labcorp Genetics (formerly Invitae), Labcorp
Classification: Uncertain significance for Bloom syndrome. Last evaluated: 2025-07-13. Review status: criteria provided, single submitter. Criteria: Invitae Variant Classification Sherloc (09022015). Collection method: clinical testing. Allele origin: germline.
Comment: This sequence change replaces valine, which is neutral and non-polar, with alanine, which is neutral and non-polar, at codon 52 of the BLM protein (p.Val52Ala). This variant is not present in population databases (gnomAD no frequency). This variant has not been reported in the literature in individuals affected with BLM-related conditions. An algorithm developed to predict the effect of missense changes on protein structure and function (PolyPhen-2) suggests that this variant is likely to be tolerated. In summary, the available evidence is currently insufficient to determine the role of this variant in disease. Therefore, it has been classified as a Variant of Uncertain Significance.

NM_000057.4(BLM):c.155T>C (p.Val52Ala)

Gene: BLM (BLM RecQ like helicase; plus strand). Cytogenetic location: 15q26.1.
Variant type: single nucleotide variant.
Coding change: c.155T>C on transcript NM_000057.4 (MANE Select); coding-DNA position 155, T replaced by C.
Protein change: p.Val52Ala; replaces valine 52 with alanine.
Molecular consequence: missense variant. On other transcripts: 5 prime UTR variant (1).
Genome position (GRCh38, 1-based): chr15:90,749,423, T>C. VCF-style: chr15-90749423-T-C. GRCh37 (hg19) VCF-style: chr15-91292653-T-C.
Other names: c.155T>C, p.Val52Ala (NM_001287246.2, NM_001287247.2); c.-1137T>C (NM_001287248.2); short protein forms V52A.
Identifiers: ClinVar variation 4723029 (VCV004723029.1).